The following is an entry in ClinVar:

NM_005732.4(RAD50):c.170T>C (p.Phe57Ser)

Gene: RAD50 (RAD50 double strand break repair protein; plus strand). Cytogenetic location: 5q31.1.
Variant type: single nucleotide variant.
Coding change: c.170T>C on transcript NM_005732.4 (MANE Select); coding-DNA position 170, T replaced by C.
Protein change: p.Phe57Ser; replaces phenylalanine 57 with serine.
Molecular consequence: missense variant.
Genome position (GRCh38, 1-based): chr5:132,559,324, T>C. VCF-style: chr5-132559324-T-C. GRCh37 (hg19) VCF-style: chr5-131895016-T-C.
Other names: short protein forms F57S.
Identifiers: ClinVar variation 527361 (VCV000527361.11), dbSNP rs1554096789, ClinGen allele CA360953454.

ClinVar aggregate classification (germline): Uncertain significance. Review status: criteria provided, multiple submitters, no conflicts (2 of 4 stars). 2 submissions from 2 submitters: Uncertain significance (2). Last evaluated 2024-10-15.

Conditions:
Hereditary cancer-predisposing syndrome. Also called: Neoplastic Syndromes, Hereditary; Tumor predisposition; Hereditary Cancer Syndrome; Hereditary neoplastic syndrome. Identifiers: Orphanet 140162, MedGen C0027672, MeSH D009386, MONDO:0015356.

Submissions (2):

Labcorp Genetics (formerly Invitae), Labcorp
Classification: Uncertain significance for Hereditary cancer-predisposing syndrome. Last evaluated: 2024-10-15. Review status: criteria provided, single submitter. Criteria: Invitae Variant Classification Sherloc (09022015). Collection method: clinical testing. Allele origin: germline.
Comment: This sequence change replaces phenylalanine, which is neutral and non-polar, with serine, which is neutral and polar, at codon 57 of the RAD50 protein (p.Phe57Ser). This variant is not present in population databases (gnomAD no frequency). This variant has not been reported in the literature in individuals affected with RAD50-related conditions. ClinVar contains an entry for this variant (Variation ID: 527361). Invitae Evidence Modeling of protein sequence and biophysical properties (such as structural, functional, and spatial information, amino acid conservation, physicochemical variation, residue mobility, and thermodynamic stability) has been performed for this missense variant. However, the output from this modeling did not meet the statistical confidence thresholds required to predict the impact of this variant on RAD50 protein function. In summary, the available evidence is currently insufficient to determine the role of this variant in disease. Therefore, it has been classified as a Variant of Uncertain Significance.

Ambry Genetics
Classification: Uncertain significance for Hereditary cancer-predisposing syndrome. Last evaluated: 2020-03-02. Review status: criteria provided, single submitter. Criteria: Ambry Variant Classification Scheme 2023. Collection method: clinical testing. Allele origin: germline.
Comment: The p.F57S variant (also known as c.170T>C), located in coding exon 2 of the RAD50 gene, results from a T to C substitution at nucleotide position 170. The phenylalanine at codon 57 is replaced by serine, an amino acid with highly dissimilar properties. This amino acid position is well conserved in available vertebrate species. In addition, this alteration is predicted to be tolerated by in silico analysis. Since supporting evidence is limited at this time, the clinical significance of this alteration remains unclear.